The following is an entry in ClinVar:

NM_000179.3(MSH6):c.1686_1687del (p.Thr563fs)

Gene: MSH6 (mutS homolog 6; plus strand). Cytogenetic location: 2p16.3.
Variant type: Deletion.
Coding change: c.1686_1687del on transcript NM_000179.3 (MANE Select); coding-DNA positions 1686 to 1687, 2 bases deleted (TA; older notation c.1686_1687delTA).
Protein change: p.Thr563fs; shifts the reading frame from threonine 563.
Molecular consequence: frameshift variant. On other transcripts: non-coding transcript variant (4), intron variant (2).
Genome position (GRCh38, 1-based): chr2:47,799,669-47,799,670, TA deleted; deleting any 2 consecutive bases within chr2:47,799,668-47,799,670 gives the same sequence; the c. name uses the placement nearest the transcript's 3' end. VCF-style (leftmost placement, unchanged base first): chr2-47799667-GAT-G. GRCh37 (hg19) VCF-style: chr2-48026806-GAT-G.
Other names: c.1296_1297del, p.Thr433fs (NM_001281492.2); c.780_781del, p.Thr261fs (NM_001281493.2, NM_001281494.2, NM_001406811.1 and 6 more transcripts); c.1782_1783del, p.Thr595fs (NM_001406795.1, NM_001406802.1); c.1686_1687del, p.Thr563fs (NM_001406796.1, NM_001406798.1, NM_001406800.1 and 3 more transcripts); c.1389_1390del, p.Thr464fs (NM_001406797.1, NM_001406801.1, NM_001406805.1 and 10 more transcripts); c.1161_1162del, p.Thr388fs (NM_001406799.1, NM_001406806.1, NM_001406807.1); c.1608_1609del, p.Thr537fs (NM_001406804.1); c.1692_1693del, p.Thr565fs (NM_001406813.1); and 3 more; short protein forms T261fs, T388fs, T433fs, T464fs, T507fs, T537fs, T563fs, T565fs.
Identifiers: ClinVar variation 4071397 (VCV004071397.1).
Genomic context (GRCh38, chr2:47,799,667, plus strand): 5'-CTCAAAGAAAAAGAGGAAGATTCTTCTGGCCATACTCGTGCATATGGTGTGTGCTTTGTT[GAT>G]ACTTCACTGGGAAAGTTTTTCATAGGTCAGTTTTCAGATGATCGCCATTGTTCGAGATTT-3'

ClinVar aggregate classification (germline): Pathogenic (1 of 4 stars; one submission).

Conditions:
Lynch syndrome 5 (LYNCH5). Also called: Colorectal cancer, hereditary nonpolyposis, type 5; Hereditary non-polyposis colorectal cancer, type 5. Identifiers: Orphanet 144, MedGen C1833477, MONDO:0013710, OMIM 614350. Disease mechanism: loss of function.

Submission:

Myriad Genetics, Inc.
Classification: Pathogenic for Lynch syndrome 5. Last evaluated: 2025-05-19. Review status: criteria provided, single submitter. Criteria: Myriad Autosomal Dominant, Autosomal Recessive and X-Linked Classification Criteria (2023). Collection method: clinical testing. Allele origin: unknown.
Comment: This variant is considered pathogenic. This variant creates a frameshift predicted to result in premature protein truncation.